The following is an entry in ClinVar:

NM_002693.3(POLG):c.449A>G (p.Tyr150Cys)

Genes: POLG (DNA polymerase gamma, catalytic subunit; minus strand), POLGARF (POLG alternative reading frame; minus strand). Cytogenetic location: 15q26.1.
Variant type: single nucleotide variant.
Coding change: c.449A>G on transcript NM_002693.3 (MANE Select); coding-DNA position 449, A replaced by G.
Protein change: p.Tyr150Cys; replaces tyrosine 150 with cysteine.
Molecular consequence: missense variant.
Genome position (GRCh38, 1-based): chr15:89,333,306, T>C on the plus strand (A>G on the coding strand, the complement: POLG is on the minus strand). VCF-style: chr15-89333306-T-C. GRCh37 (hg19) VCF-style: chr15-89876537-T-C.
Other names: c.449A>G, p.Tyr150Cys (NM_001126131.2); short protein forms Y150C.
Identifiers: ClinVar variation 952834 (VCV000952834.10), dbSNP rs2055620034, ClinGen allele CA393771654.

ClinVar aggregate classification (germline): Uncertain significance (1 of 4 stars; one submission).

Conditions:
Progressive sclerosing poliodystrophy (MTDPS4A). Also called: ALPERS PROGRESSIVE INFANTILE POLIODYSTROPHY; Mitochondrial DNA depletion syndrome 4A (Alpers type); ALPERS DIFFUSE DEGENERATION OF CEREBRAL GRAY MATTER WITH HEPATIC CIRRHOSIS; Alpers-Huttenlocher Syndrome; Alpers-Huttenlocher Syndrome (AHS); Alpers Syndrome. Identifiers: Orphanet 726, MedGen C0205710, MONDO:0008758, OMIM 203700.

gnomAD v4.1: 2 of 1,555,726 alleles (0.00013%); highest among the groups gnomAD compares: Non-Finnish European, 0.00017%; no homozygotes.

Submission:

Labcorp Genetics (formerly Invitae), Labcorp
Classification: Uncertain significance for Progressive sclerosing poliodystrophy. Last evaluated: 2019-08-20. Review status: criteria provided, single submitter. Criteria: Invitae Variant Classification Sherloc (09022015). Collection method: clinical testing. Allele origin: germline.
Comment: This sequence change replaces tyrosine with cysteine at codon 150 of the POLG protein (p.Tyr150Cys). The tyrosine residue is highly conserved and there is a large physicochemical difference between tyrosine and cysteine. The frequency data for this variant in the population databases is considered unreliable, as metrics indicate insufficient coverage at this position in the ExAC database. This variant has not been reported in the literature in individuals with POLG-related conditions. Algorithms developed to predict the effect of missense changes on protein structure and function are either unavailable or do not agree on the potential impact of this missense change (SIFT: "Deleterious"; PolyPhen-2: "Probably Damaging"; Align-GVGD: "Class C0"). In summary, the available evidence is currently insufficient to determine the role of this variant in disease. Therefore, it has been classified as a Variant of Uncertain Significance.